The following is an entry in ClinVar:

NM_144666.3(DNHD1):c.4720del (p.Leu1574fs)

Gene: DNHD1 (dynein heavy chain domain 1; plus strand). Cytogenetic location: 11p15.4.
Variant type: Deletion.
Coding change: c.4720del on transcript NM_144666.3 (MANE Select); coding-DNA position 4720, one base deleted (C; older notation c.4720delC).
Protein change: p.Leu1574fs; shifts the reading frame from leucine 1574.
Molecular consequence: frameshift variant.
Genome position (GRCh38, 1-based): chr11:6,545,659, C deleted; the last of 3 consecutive C bases (chr11:6,545,657-6,545,659); deleting any one gives the same sequence. VCF-style (leftmost placement, unchanged base first): chr11-6545656-GC-G. GRCh37 (hg19) VCF-style: chr11-6566886-GC-G.
Other names: short protein forms L1574fs.
Identifiers: ClinVar variation 5007897 (VCV005007897.2).

ClinVar aggregate classification (germline): Likely pathogenic (1 of 4 stars; one submission).

Conditions:
Spermatogenic failure 65 (SPGF65). Identifiers: MedGen C5562067, MONDO:0030531, OMIM 619712.

Submission:

Juno Genomics, Hangzhou Juno Genomics, Inc
Classification: Likely pathogenic for Spermatogenic failure 65. Review status: criteria provided, single submitter. Criteria: ACMG Guidelines, 2015. Collection method: clinical testing. Allele origin: germline.
Comment: Null variant in a gene where loss of function (LOF) is a known mechanism of disease.;Absent from controls (or at extremely low frequency if recessive) in Genome Aggregation Database.